The following is an entry in ClinVar:

NM_206937.2(LIG4):c.2234A>G (p.His745Arg)

Gene: LIG4 (DNA ligase 4; minus strand). Cytogenetic location: 13q33.3.
Variant type: single nucleotide variant.
Coding change: c.2234A>G on transcript NM_206937.2 (MANE Select); coding-DNA position 2234, A replaced by G.
Protein change: p.His745Arg; replaces histidine 745 with arginine.
Molecular consequence: missense variant.
Genome position (GRCh38, 1-based): chr13:108,209,035, T>C on the plus strand (A>G on the coding strand, the complement: LIG4 is on the minus strand). VCF-style: chr13-108209035-T-C. GRCh37 (hg19) VCF-style: chr13-108861383-T-C.
Other names: c.2234A>G, p.His745Arg (NM_001098268.2, NM_001352598.2, NM_001352599.2 and 6 more transcripts); c.2033A>G, p.His678Arg (NM_001330595.2); c.2270A>G, p.His757Arg (NM_001352604.2); short protein forms H757R, H745R, H678R.
Identifiers: ClinVar variation 934931 (VCV000934931.10), dbSNP rs981096741, ClinGen allele CA388613721.
Genomic context (GRCh38, chr13:108,209,035, plus strand): 5'-TAACTATCACCATAGCAATCATATTCACGGGCAAAATGTTCTTTGGTTGATGGGCACATA[T>C]GAATCATAAAGCGAGGCTGCCATGGTACAAAGCTTTTGGTCTTAAAACATTCTAAAAGCC-3'
Protein context (NP_996820.1, residues 735-755): FVPWQPRFMI[His745Arg]MCPSTKEHFA

ClinVar aggregate classification (germline): Uncertain significance. Review status: criteria provided, multiple submitters, no conflicts (2 of 4 stars). 2 submissions from 2 submitters: Uncertain significance (2). Last evaluated 2025-06-02.

Conditions:
Inborn genetic diseases. Identifiers: MedGen C0950123, MeSH D030342.
DNA ligase IV deficiency. Identifiers: Orphanet 99812, MedGen C1847827, MONDO:0011686, OMIM 606593.

Allele frequency attached by ClinVar (database versions not stated): gnomAD exomes below 0.00001.

Submissions (2):

Labcorp Genetics (formerly Invitae), Labcorp
Classification: Uncertain significance for DNA ligase IV deficiency. Last evaluated: 2025-06-02. Review status: criteria provided, single submitter. Criteria: Invitae Variant Classification Sherloc (09022015). Collection method: clinical testing. Allele origin: germline.
Comment: This sequence change replaces histidine, which is basic and polar, with arginine, which is basic and polar, at codon 745 of the LIG4 protein (p.His745Arg). This variant is present in population databases (no rsID available, gnomAD 0.1%). This variant has not been reported in the literature in individuals affected with LIG4-related conditions. ClinVar contains an entry for this variant (Variation ID: 934931). Invitae Evidence Modeling of protein sequence and biophysical properties (such as structural, functional, and spatial information, amino acid conservation, physicochemical variation, residue mobility, and thermodynamic stability) has been performed for this missense variant. However, the output from this modeling did not meet the statistical confidence thresholds required to predict the impact of this variant on LIG4 protein function. In summary, the available evidence is currently insufficient to determine the role of this variant in disease. Therefore, it has been classified as a Variant of Uncertain Significance.

Ambry Genetics
Classification: Uncertain significance for Inborn genetic diseases. Last evaluated: 2023-10-17. Review status: criteria provided, single submitter. Criteria: Ambry Variant Classification Scheme 2023. Collection method: clinical testing. Allele origin: germline.